The following is an entry in ClinVar:

ClinVar aggregate classification (germline): Uncertain significance. Review status: criteria provided, multiple submitters, no conflicts (2 of 4 stars). 2 submissions from 2 submitters: Uncertain significance (2). Last evaluated 2025-06-20.

Conditions:
Cardiovascular phenotype. Identifiers: MedGen CN230736.
Familial hypobetalipoproteinemia 1. Also called: Hypobetalipoproteinemia, normotriglyceridemic; Acanthocytosis with hypobetalipoproteinemia; APOB-Related Familial Hypobetalipoproteinemia. Identifiers: MedGen C4551990, MONDO:0014252, OMIM 615558.
Hypercholesterolemia, autosomal dominant, type B (FHCL2). Also called: Familial Hypercholesterolemia Type B; HYPERCHOLESTEROLEMIA, FAMILIAL, DUE TO LIGAND-DEFECTIVE APOLIPOPROTEIN B; Familial hypercholesterolemia 2; APOB-Related Familial Hypercholesterolemia, Autosomal Dominant; APOLIPOPROTEIN B-100, FAMILIAL DEFECTIVE; APOLIPOPROTEIN B-100, FAMILIAL LIGAND-DEFECTIVE. Identifiers: MedGen C1704417, MONDO:0007751, OMIM 144010.

Allele frequency attached by ClinVar (database versions not stated): gnomAD exomes below 0.00001.
gnomAD v4.1: 4 of 1,594,900 alleles (0.00025%); highest among the groups gnomAD compares: Non-Finnish European, 0.00034%; no homozygotes.

Submissions (2):

Ambry Genetics
Classification: Uncertain significance for Cardiovascular phenotype. Last evaluated: 2025-06-20. Review status: criteria provided, single submitter. Criteria: Ambry Variant Classification Scheme 2023. Collection method: clinical testing. Allele origin: germline.
Comment: The p.V282G variant (also known as c.845T>G), located in coding exon 8 of the APOB gene, results from a T to G substitution at nucleotide position 845. The valine at codon 282 is replaced by glycine, an amino acid with dissimilar properties. This amino acid position is conserved. In addition, the in silico prediction for this alteration is inconclusive. Based on the available evidence, the clinical significance of this variant remains unclear.

Labcorp Genetics (formerly Invitae), Labcorp
Classification: Uncertain significance for Familial hypobetalipoproteinemia 1; Hypercholesterolemia, autosomal dominant, type B. Last evaluated: 2022-09-24. Review status: criteria provided, single submitter. Criteria: Invitae Variant Classification Sherloc (09022015). Collection method: clinical testing. Allele origin: germline.
Comment: ClinVar contains an entry for this variant (Variation ID: 926401). Advanced modeling of protein sequence and biophysical properties (such as structural, functional, and spatial information, amino acid conservation, physicochemical variation, residue mobility, and thermodynamic stability) performed at Invitae indicates that this missense variant is not expected to disrupt APOB protein function. In summary, the available evidence is currently insufficient to determine the role of this variant in disease. Therefore, it has been classified as a Variant of Uncertain Significance. This variant has not been reported in the literature in individuals affected with APOB-related conditions. This sequence change replaces valine, which is neutral and non-polar, with glycine, which is neutral and non-polar, at codon 282 of the APOB protein (p.Val282Gly). This variant is not present in population databases (gnomAD no frequency).

NM_000384.3(APOB):c.845T>G (p.Val282Gly)

Gene: APOB (apolipoprotein B; minus strand). Cytogenetic location: 2p24.1.
Variant type: single nucleotide variant.
Coding change: c.845T>G on transcript NM_000384.3 (MANE Select); coding-DNA position 845, T replaced by G.
Protein change: p.Val282Gly; replaces valine 282 with glycine.
Molecular consequence: missense variant.
Genome position (GRCh38, 1-based): chr2:21,034,875, A>C on the plus strand (T>G on the coding strand, the complement: APOB is on the minus strand). VCF-style: chr2-21034875-A-C. GRCh37 (hg19) VCF-style: chr2-21257747-A-C.
Other names: short protein forms V282G.
Identifiers: ClinVar variation 926401 (VCV000926401.9), dbSNP rs1663961879, ClinGen allele CA345960843.